The following is an entry in ClinVar:

NM_022124.6(CDH23):c.9283A>G (p.Lys3095Glu)

Gene: CDH23 (cadherin related 23; plus strand). Cytogenetic location: 10q22.1.
Variant type: single nucleotide variant.
Coding change: c.9283A>G on transcript NM_022124.6 (MANE Select); coding-DNA position 9283, A replaced by G.
Protein change: p.Lys3095Glu; replaces lysine 3095 with glutamic acid.
Molecular consequence: missense variant.
Genome position (GRCh38, 1-based): chr10:71,811,717, A>G. VCF-style: chr10-71811717-A-G. GRCh37 (hg19) VCF-style: chr10-73571474-A-G.
Other names: c.2563A>G, p.Lys855Glu (NM_001171933.1, NM_001171934.1); short protein forms K3095E, K855E.
Identifiers: ClinVar variation 228507 (VCV000228507.5), dbSNP rs876657760, ClinGen allele CA10576820.
Genomic context (GRCh38, chr10:71,811,717, plus strand): 5'-AGGGCCTGAGACGTCAGCTTGGCCCCCCTCACCAGCCCCTCTCTGCTTCTCTCCAGACAC[A>G]AGAGGAAGCTCAAGGCCATTGTGGCTGGCTCAGCTGGTAAGTGAGGGCCATAGTGGGGAC-3'
Protein context (NP_071407.4, residues 3085-3105): LMNWYYRTVH[Lys3095Glu]RKLKAIVAGS

ClinVar aggregate classification (germline): Uncertain significance. Review status: criteria provided, single submitter (1 of 4 stars). 2 submissions from 2 submitters: Uncertain significance (1). 1 of the submissions does not count toward it. Last evaluated 2015-06-19.

Conditions:
Usher syndrome type 1 (USH1). Also called: RETINITIS PIGMENTOSA AND CONGENITAL DEAFNESS. Identifiers: Orphanet 231169, Orphanet 886, MedGen C1568247, MONDO:0010168, OMIM 276900.

Allele frequency attached by ClinVar (database versions not stated): gnomAD exomes below 0.00001.
gnomAD v4.1: 1 of 1,605,382 alleles (0.000062%); highest among the groups gnomAD compares: Non-Finnish European, 0.000085%; no homozygotes.

Submissions (2):

Laboratory for Molecular Medicine, Mass General Brigham Personalized Medicine
Classification: Uncertain significance. Last evaluated: 2015-06-19. Review status: criteria provided, single submitter. Criteria: LMM Criteria. Collection method: clinical testing. Allele origin: germline. Observed: 1 variant allele.
Comment: Variant classified as Uncertain Significance - Favor Benign. The p.Lys3095Glu va riant in CDH23 has not been previously reported in individuals with hearing loss and data from large population studies is insufficient to assess the frequency of this variant in the general population. Lysine (Lys) at position 3095 is not well conserved in evolutionarily distant species, with 5 fish species having a g lutamic acid (Glu) at this position. Additional computational prediction tools d o not provide strong support for or against an impact to the protein. In summary , the clinical significance of the p.Lys3095Glu variant is uncertain, the conser vation data suggests that it is more likely to be benign.

Natera, Inc.
Classification: Uncertain significance for Usher syndrome type 1. Last evaluated: 2021-08-30. Review status: no assertion criteria provided. Collection method: clinical testing. Allele origin: germline. Not counted in ClinVar's aggregate classification.